The following is an entry in ClinVar:

ClinVar aggregate classification (germline): Uncertain significance (1 of 4 stars; one submission).

Conditions:
Branchiootorenal syndrome 1. Also called: Branchio-Oto-Renal Syndrome 1. Identifiers: Orphanet 107, MedGen C4551702, MONDO:0007236, OMIM 113650.

Submission:

MVZ Medizinische Genetik Mainz
Classification: Uncertain significance for Branchiootorenal syndrome 1. Last evaluated: 2024-06-28. Review status: criteria provided, single submitter. Criteria: UK Practice Guidelines For Variant Classification V4 01 2020. Collection method: clinical testing. Allele origin: germline. Inheritance: Autosomal dominant inheritance. Affected: yes. Observed: 2 variant alleles.
Comment: ACMG Criteria: PM2_SUP,PM4_SUP,PP3,PP4

NM_001288574.2(EYA1):c.273-3_273-1del

Gene: EYA1 (EYA transcriptional coactivator and phosphatase 1; minus strand). Cytogenetic location: 8q13.3.
Variant type: Deletion.
Coding change: c.273-3_273-1del on transcript NM_001288574.2; 3 bases into the intron before coding-DNA position 273 through the canonical splice acceptor site of the intron before coding-DNA position 273, 3 bases deleted (CAG; older notation c.273-3_273-1delCAG).
Molecular consequence: splice acceptor variant. On other transcripts: intron variant (1).
Genome position (GRCh38, 1-based): chr8:71,321,877-71,321,879, CTG deleted on the plus strand (CAG on the coding strand, the reverse complement: EYA1 is on the minus strand); deleting any 3 consecutive bases within chr8:71,321,877-71,321,881 gives the same sequence; the c. name uses the placement nearest the transcript's 3' end. VCF-style (leftmost placement, unchanged base first): chr8-71321876-TCTG-T. GRCh37 (hg19) VCF-style: chr8-72234111-TCTG-T.
Other names: c.360-3_360-1del (NM_001370336.1); c.-12-67_-12-65del (NM_001288575.2).
Identifiers: ClinVar variation 3256615 (VCV003256615.1).
Genomic context (GRCh38, chr8:71,321,876, plus strand): 5'-TGTTTGCCCATATGCAGCCATAGTTTGTGAGGAAGGGGTAGGGAGAATATGTGGGTATGG[TCTG>T]CTATTTGTCAGAAATGACAGAAAATAGAAAGCCCATGCATTAGATGGAAACATGCAAACC-3'